The following is an entry in ClinVar:

NM_016239.4(MYO15A):c.5421del (p.Phe1807fs)

Gene: MYO15A (myosin XVA; plus strand). Cytogenetic location: 17p11.2.
Variant type: Deletion.
Coding change: c.5421del on transcript NM_016239.4 (MANE Select); coding-DNA position 5421, one base deleted (T; older notation c.5421delT).
Protein change: p.Phe1807fs; shifts the reading frame from phenylalanine 1807.
Molecular consequence: frameshift variant.
Genome position (GRCh38, 1-based): chr17:18,141,033, T deleted; the last of 3 consecutive T bases (chr17:18,141,031-18,141,033); deleting any one gives the same sequence. VCF-style (leftmost placement, unchanged base first): chr17-18141030-CT-C. GRCh37 (hg19) VCF-style: chr17-18044344-CT-C.
Other names: short protein forms F1807fs.
Identifiers: ClinVar variation 4796693 (VCV004796693.1).

ClinVar aggregate classification (germline): Likely pathogenic (1 of 4 stars; one submission).

Conditions:
Autosomal recessive nonsyndromic hearing loss 3. Also called: NEUROSENSORY NONSYNDROMIC RECESSIVE DEAFNESS 3. Identifiers: Orphanet 90636, MedGen C1838263, MONDO:0010860, OMIM 600316.

Submission:

Genetics Research Center, University of Social Welfare and Rehabilitation Sciences
Classification: Likely pathogenic for Autosomal recessive nonsyndromic hearing loss 3. Last evaluated: 2025-12-09. Review status: criteria provided, single submitter. Criteria: ACMG Guidelines, 2015. Collection method: research. Allele origin: germline. Affected: yes.
Comment: The variant has not been previously observed in the gnomAD v2.1.1 dataset and has been reported in individual(s) affected with autosomal recessive nonsyndromic hearing loss (PMID: 22736430, 31579092). It introduces a premature termination codon, which is expected to result in an absent or truncated myosin XV protein product.

Literature cited by the submitters: PubMed 22736430; PubMed 31579092.